The following is an entry in ClinVar:

ClinVar aggregate classification (germline): Uncertain significance. Review status: criteria provided, multiple submitters, no conflicts (2 of 4 stars). 2 submissions from 2 submitters: Uncertain significance (2). Last evaluated 2025-12-05.

Conditions:
Hereditary cancer-predisposing syndrome. Also called: Hereditary neoplastic syndrome; Tumor predisposition; Neoplastic Syndromes, Hereditary; Hereditary Cancer Syndrome. Identifiers: Orphanet 140162, MedGen C0027672, MeSH D009386, MONDO:0015356.
Familial cancer of breast. Also called: hereditary breast carcinoma; Hereditary breast cancer; BREAST CANCER, FAMILIAL. Identifiers: Orphanet 227535, MedGen C0346153, MONDO:0016419, OMIM 114480. Disease mechanism: loss of function.
Fanconi anemia complementation group J. Also called: BRIP1-Related Fanconi Anemia. Identifiers: Orphanet 84, MedGen C1836860, MONDO:0012187, OMIM 609054.

gnomAD v4.1: 2 of 1,613,866 alleles (0.00012%); highest among the groups gnomAD compares: Non-Finnish European, 0.00017%; no homozygotes.

Submissions (2):

Labcorp Genetics (formerly Invitae), Labcorp
Classification: Uncertain significance for Familial cancer of breast; Fanconi anemia complementation group J. Last evaluated: 2025-12-05. Review status: criteria provided, single submitter. Criteria: Invitae Variant Classification Sherloc (09022015). Collection method: clinical testing. Allele origin: germline.
Comment: This sequence change creates a premature translational stop signal (p.Trp1002*) in the BRIP1 gene. While this is not anticipated to result in nonsense mediated decay, it is expected to disrupt the last 248 amino acid(s) of the BRIP1 protein. This variant is not present in population databases (gnomAD no frequency). This variant has not been reported in the literature in individuals affected with BRIP1-related conditions. ClinVar contains an entry for this variant (Variation ID: 2449932). In summary, the available evidence is currently insufficient to determine the role of this variant in disease. Therefore, it has been classified as a Variant of Uncertain Significance.

Ambry Genetics
Classification: Uncertain significance for Hereditary cancer-predisposing syndrome. Last evaluated: 2024-08-02. Review status: criteria provided, single submitter. Criteria: Ambry Variant Classification Scheme 2023. Collection method: clinical testing. Allele origin: germline.
Comment: The p.W1002* variant (also known as c.3006G>A), located in coding exon 19 of the BRIP1 gene, results from a G to A substitution at nucleotide position 3006. This changes the amino acid from a tryptophan to a stop codon within coding exon 19. This alteration occurs at the 3' terminus of theBRIP1 gene, is not expected to trigger nonsense-mediated mRNAdecay, and only impacts the last 19.8% of the protein. The exact functional effect of this alteration is unknown. Based on the available evidence, the clinical significance of this variant remains unclear.

NM_032043.3(BRIP1):c.3006G>A (p.Trp1002Ter)

Gene: BRIP1 (BRCA1 interacting DNA helicase 1; minus strand). Cytogenetic location: 17q23.2.
Variant type: single nucleotide variant.
Coding change: c.3006G>A on transcript NM_032043.3 (MANE Select); coding-DNA position 3006, G replaced by A.
Protein change: p.Trp1002Ter; replaces tryptophan 1002 with a stop codon.
Molecular consequence: nonsense.
Genome position (GRCh38, 1-based): chr17:61,684,040, C>T on the plus strand (G>A on the coding strand, the complement: BRIP1 is on the minus strand). VCF-style: chr17-61684040-C-T. GRCh37 (hg19) VCF-style: chr17-59761401-C-T.
Other names: short protein forms W1002*.
Identifiers: ClinVar variation 2449932 (VCV002449932.5), dbSNP rs546083449, ClinGen allele CA400480009.
Genomic context (GRCh38, chr17:61,684,040, plus strand): 5'-CTCAGGTGTTGCCTTCGGTATTTTACCAGTAAAATACTGTCCCAAAGAATTAAAGCTTGA[C>T]CAGCTAACTCTCTTTGTTTGTTTGTTGAAAGTTGGGCTTGTGGATCTGGAAATCACAATT-3'